The following is an entry in ClinVar:

ClinVar aggregate classification (germline): Uncertain significance (1 of 4 stars; one submission).

Submission:

GeneDx
Classification: Uncertain significance. Last evaluated: 2025-06-11. Review status: criteria provided, single submitter. Criteria: GeneDx Variant Classification Process June 2021. Collection method: clinical testing. Allele origin: germline. Affected: yes.
Comment: Not observed at significant frequency in large population cohorts (gnomAD); In silico analysis supports that this missense variant has a deleterious effect on protein structure/function; Has not been previously published as pathogenic or benign to our knowledge

NM_015030.2(FRYL):c.7307A>G (p.Glu2436Gly)

Gene: FRYL (FRY like transcription coactivator; minus strand). Cytogenetic location: 4p11.
Variant type: single nucleotide variant.
Coding change: c.7307A>G on transcript NM_015030.2 (MANE Select); coding-DNA position 7307, A replaced by G.
Protein change: p.Glu2436Gly; replaces glutamic acid 2436 with glycine.
Molecular consequence: missense variant.
Genome position (GRCh38, 1-based): chr4:48,527,487, T>C on the plus strand (A>G on the coding strand, the complement: FRYL is on the minus strand). VCF-style: chr4-48527487-T-C. GRCh37 (hg19) VCF-style: chr4-48529504-T-C.
Other names: short protein forms E2436G.
Identifiers: ClinVar variation 4540039 (VCV004540039.1).